The following is an entry in ClinVar:

NM_020686.6(ABAT):c.1348C>T (p.Arg450Trp)

Gene: ABAT (4-aminobutyrate aminotransferase; plus strand). Cytogenetic location: 16p13.2.
Variant type: single nucleotide variant.
Coding change: c.1348C>T on transcript NM_020686.6 (MANE Select); coding-DNA position 1348, C replaced by T.
Protein change: p.Arg450Trp; replaces arginine 450 with tryptophan.
Molecular consequence: missense variant. On other transcripts: intron variant (1).
Genome position (GRCh38, 1-based): chr16:8,779,557, C>T. VCF-style: chr16-8779557-C-T. GRCh37 (hg19) VCF-style: chr16-8873414-C-T.
Other names: c.1348C>T, p.Arg450Trp (NM_000663.5, NM_001127448.2, NM_001386600.1 and 5 more transcripts); c.1309C>T, p.Arg437Trp (NM_001386605.1); c.1285C>T, p.Arg429Trp (NM_001386606.1, NM_001386607.1); c.1255C>T, p.Arg419Trp (NM_001386608.1); c.1213C>T, p.Arg405Trp (NM_001386610.1, NM_001386611.1); c.1150C>T, p.Arg384Trp (NM_001386612.1, NM_001386613.1); c.1102C>T, p.Arg368Trp (NM_001386614.1); c.1444C>T, p.Arg482Trp (NM_001386615.1); and 1 more; short protein forms R450W, R368W, R384W, R405W, R419W, R429W, R437W, R482W.
Identifiers: ClinVar variation 578863 (VCV000578863.9), dbSNP rs748725086, ClinGen allele CA7893527.

ClinVar aggregate classification (germline): Uncertain significance. Review status: criteria provided, multiple submitters, no conflicts (2 of 4 stars). 2 submissions from 2 submitters: Uncertain significance (2). Last evaluated 2024-11-05.

Conditions:
Gamma-aminobutyric acid transaminase deficiency (GABATD). Also called: GABA aminotransaminase deficiency; GABA transaminase deficiency; Gamma aminobutyrate transaminase deficiency; 4 alpha aminobutyrate transaminase deficiency. Identifiers: Orphanet 2066, MedGen C0342708, MONDO:0013166, OMIM 613163.

Allele frequency attached by ClinVar (database versions not stated): gnomAD 0.00001; ExAC 0.00003; TOPMed below 0.00001; gnomAD exomes 0.00003.
gnomAD v4.1: 16 of 1,613,972 alleles (0.00099%); highest among the groups gnomAD compares: Admixed American, 0.0067%; no homozygotes.

Submissions (2):

Labcorp Genetics (formerly Invitae), Labcorp
Classification: Uncertain significance for Gamma-aminobutyric acid transaminase deficiency. Last evaluated: 2024-11-05. Review status: criteria provided, single submitter. Criteria: Invitae Variant Classification Sherloc (09022015). Collection method: clinical testing. Allele origin: germline.
Comment: This sequence change replaces arginine, which is basic and polar, with tryptophan, which is neutral and slightly polar, at codon 450 of the ABAT protein (p.Arg450Trp). This variant is present in population databases (rs748725086, gnomAD 0.009%). This variant has not been reported in the literature in individuals affected with ABAT-related conditions. ClinVar contains an entry for this variant (Variation ID: 578863). Invitae Evidence Modeling of protein sequence and biophysical properties (such as structural, functional, and spatial information, amino acid conservation, physicochemical variation, residue mobility, and thermodynamic stability) indicates that this missense variant is expected to disrupt ABAT protein function with a positive predictive value of 80%. In summary, the available evidence is currently insufficient to determine the role of this variant in disease. Therefore, it has been classified as a Variant of Uncertain Significance.

Blueprint Genetics
Classification: Uncertain significance. Last evaluated: 2023-08-09. Review status: criteria provided, single submitter. Criteria: ACMG Guidelines, 2015. Collection method: clinical testing. Allele origin: germline.